The following is an entry in ClinVar:

NM_001377265.1(MAPT):c.2364G>A (p.Ser788=)

Gene: MAPT (microtubule associated protein tau). Cytogenetic location: 17q21.31.
Variant type: single nucleotide variant.
Coding change: c.2364G>A on transcript NM_001377265.1 (MANE Select); coding-DNA position 2364, G replaced by A.
Protein change: p.Ser788=; no amino-acid change (serine 788 retained).
Molecular consequence: synonymous variant. On other transcripts: non-coding transcript variant (1), intron variant (1).
Genome position (GRCh38, 1-based): chr17:46,024,033, G>A. VCF-style: chr17-46024033-G-A. GRCh37 (hg19) VCF-style: chr17-44101399-G-A.
Other names: c.2193G>A, p.Ser731= (NM_001123066.4); c.1101G>A, p.Ser367= (NM_001123067.4); c.1008G>A, p.Ser336= (NM_001203251.2); c.1095G>A, p.Ser365= (NM_001203252.2); c.2073G>A, p.Ser691= (NM_001377266.1); c.921G>A, p.Ser307= (NM_001377268.1, NM_016841.5); c.1188G>A, p.Ser396= (NM_005910.6); c.1014G>A, p.Ser338= (NM_016834.5); and 2 more.
Identifiers: ClinVar variation 425138 (VCV000425138.52), dbSNP rs377720312, ClinGen allele CA8618258.

ClinVar aggregate classification (germline): Conflicting classifications of pathogenicity. Review status: criteria provided, conflicting classifications (1 of 4 stars). 3 submissions from 3 submitters: Uncertain significance (1); Likely benign (2). Last evaluated 2026-01-13.

Conditions:
MAPT-Related Spectrum Disorders.
Frontotemporal dementia (FTD1). Also called: Dementia, frontotemporal, with or without parkinsonism; Frontotemporal Dementia with Parkinsonism-17 (FTDP-17); MULTIPLE SYSTEM TAUOPATHY WITH PRESENILE DEMENTIA; WILHELMSEN-LYNCH DISEASE; FRONTOTEMPORAL DEMENTIA WITH PARKINSONISM; FRONTOTEMPORAL LOBE DEMENTIA. Identifiers: Orphanet 282, MedGen C0338451, MONDO:0017276, OMIM 600274, HP:0002145.

Allele frequency attached by ClinVar (database versions not stated): gnomAD 0.00001 and 0.00002; ExAC 0.00002; gnomAD exomes 0.00003 and 0.00005; TOPMed 0.00003; ESP Exome Variant Server 0.00008.
gnomAD v4.1: 81 of 1,613,968 alleles (0.005%); highest among the groups gnomAD compares: Non-Finnish European, 0.0063%; no homozygotes.

Submissions (3):

Labcorp Genetics (formerly Invitae), Labcorp
Classification: Likely benign for Frontotemporal dementia. Last evaluated: 2026-01-13. Review status: criteria provided, single submitter. Criteria: Invitae Variant Classification Sherloc (09022015). Collection method: clinical testing. Allele origin: germline.

Illumina Laboratory Services, Illumina
Classification: Likely benign for MAPT-Related Spectrum Disorders. Last evaluated: 2018-01-13. Review status: criteria provided, single submitter. Criteria: ICSL Variant Classification Criteria 13 December 2019. Collection method: clinical testing. Allele origin: germline.
Comment: This variant was observed in the ICSL laboratory as part of a predisposition screen in an ostensibly healthy population. It had not been previously curated by ICSL or reported in the Human Gene Mutation Database (HGMD: prior to June 1st, 2018), and was therefore a candidate for classification through an automated scoring system. Utilizing variant allele frequency, disease prevalence and penetrance estimates, and inheritance mode, an automated score was calculated to assess if this variant is too frequent to cause the disease. Based on the score and internal cut-off values, a variant classified as likely benign is not then subjected to further curation. The score for this variant resulted in a classification of likely benign for this disease.

CeGaT Center for Human Genetics Tuebingen
Classification: Uncertain significance. Last evaluated: 2016-11-01. Review status: criteria provided, single submitter. Criteria: CeGaT Center For Human Genetics Tuebingen Variant Classification Criteria Version 2. Collection method: clinical testing. Allele origin: germline. Affected: yes. Observed: 1 variant allele.